The following is an entry in ClinVar:

ClinVar aggregate classification (germline): Uncertain significance (1 of 4 stars; one submission).

Submission:

Labcorp Genetics (formerly Invitae), Labcorp
Classification: Uncertain significance. Last evaluated: 2022-10-18. Review status: criteria provided, single submitter. Criteria: Invitae Variant Classification Sherloc (09022015). Collection method: clinical testing. Allele origin: germline.
Comment: Algorithms developed to predict the effect of sequence changes on RNA splicing suggest that this variant may create or strengthen a splice site. This variant, c.2360_2383dup, results in the insertion of 8 amino acid(s) of the TMEM63B protein (p.Gly787_Asp794dup), but otherwise preserves the integrity of the reading frame. This variant is present in population databases (no rsID available, gnomAD 0.004%). This variant has not been reported in the literature in individuals affected with TMEM63B-related conditions. In summary, the available evidence is currently insufficient to determine the role of this variant in disease. Therefore, it has been classified as a Variant of Uncertain Significance.

NM_018426.3(TMEM63B):c.2360_2383dup (p.Asp794_Glu795insGlyAlaProGlySerSerGlyAsp)

Gene: TMEM63B (transmembrane protein 63B; plus strand). Cytogenetic location: 6p21.1.
Variant type: Duplication.
Coding change: c.2360_2383dup on transcript NM_018426.3 (MANE Select); coding-DNA positions 2360 to 2383, 24 bases duplicated (GGGCTCCTGGGAGCTCAGGGGATG).
Protein change: p.Asp794_Glu795insGlyAlaProGlySerSerGlyAsp.
Molecular consequence: inframe insertion.
Genome position (GRCh38, 1-based): chr6:44,154,744-44,154,767, GGGCTCCTGGGAGCTCAGGGGATG duplicated; duplicating any 24 consecutive bases within chr6:44,154,737-44,154,767 gives the same sequence; the c. name uses the placement nearest the transcript's 3' end. VCF-style (leftmost placement, unchanged base first): chr6-44154736-T-TGGGGATGGGGCTCCTGGGAGCTCA. GRCh37 (hg19) VCF-style: chr6-44122473-T-TGGGGATGGGGCTCCTGGGAGCTCA.
Other names: c.2360_2383dup, p.Asp794_Glu795insGlyAlaProGlySerSerGlyAsp (NM_001318792.1).
Identifiers: ClinVar variation 1896577 (VCV001896577.5), dbSNP rs1422776158, ClinGen allele CA567153885.